The following is an entry in ClinVar:

ClinVar aggregate classification (germline): Uncertain significance (1 of 4 stars; one submission).

Conditions:
DNMT1-related disorder. Also called: DNMT1-related condition. Identifiers: MedGen CN381527.

gnomAD v4.1: 11 of 1,613,880 alleles (0.00068%); highest among the groups gnomAD compares: African/African-American, 0.0053%; no homozygotes.

Submission:

PreventionGenetics, part of Exact Sciences
Classification: Uncertain significance for DNMT1-related condition. Last evaluated: 2025-06-29. Review status: criteria provided, single submitter. Criteria: ACMG Guidelines, 2015. Collection method: clinical testing. Allele origin: germline.
Comment: The DNMT1 c.2886C>A variant is predicted to result in the amino acid substitution p.Phe962Leu. To our knowledge, this variant has not been reported in the literature. This variant is reported in 0.0062% of alleles in individuals of African descent in gnomAD. At this time, the clinical significance of this variant is uncertain due to the absence of conclusive functional and genetic evidence.

NM_001130823.3(DNMT1):c.2886C>A (p.Phe962Leu)

Gene: DNMT1 (DNA methyltransferase 1; minus strand). Cytogenetic location: 19p13.2.
Variant type: single nucleotide variant.
Coding change: c.2886C>A on transcript NM_001130823.3 (MANE Select); coding-DNA position 2886, C replaced by A.
Protein change: p.Phe962Leu; replaces phenylalanine 962 with leucine.
Molecular consequence: missense variant.
Genome position (GRCh38, 1-based): chr19:10,146,359, G>T on the plus strand (C>A on the coding strand, the complement: DNMT1 is on the minus strand). VCF-style: chr19-10146359-G-T. GRCh37 (hg19) VCF-style: chr19-10257035-G-T.
Other names: c.2838C>A, p.Phe946Leu (NM_001318730.2, NM_001379.4); c.2523C>A, p.Phe841Leu (NM_001318731.2); short protein forms F946L, F962L, F841L.
Identifiers: ClinVar variation 5000174 (VCV005000174.1).
Genomic context (GRCh38, chr19:10,146,359, plus strand): 5'-CCTGGCTCAGCCTGGAGCGCCCTGGCCCCGGCTGCTCCGAGGGGGCACTTACTTGAACGT[G>T]AAGGCCTCAGGGGGCAGGTACACACCATCACCAACTCGGTACAGGATGCCGTTCTTGGTG-3'
Protein context (NP_001124295.1, residues 952-972): GDGVYLPPEA[Phe962Leu]TFNIKLSSPV